The following is an entry in ClinVar:

ClinVar aggregate classification (germline): Uncertain significance. Review status: criteria provided, multiple submitters, no conflicts (2 of 4 stars). 2 submissions from 2 submitters: Uncertain significance (2). Last evaluated 2025-11-12.

Conditions:
Dilated cardiomyopathy 1Z (CMD1Z). Identifiers: Orphanet 154, MedGen C2678475, MONDO:0012745, OMIM 611879.
Hypertrophic cardiomyopathy 13. Also called: TNNC1-Related Familial Hypertrophic Cardiomyopathy. Identifiers: MedGen C2750472, MONDO:0013195, OMIM 613243.

Submissions (2):

Labcorp Genetics (formerly Invitae), Labcorp
Classification: Uncertain significance for Hypertrophic cardiomyopathy 13; Dilated cardiomyopathy 1Z. Last evaluated: 2025-11-12. Review status: criteria provided, single submitter. Criteria: Invitae Variant Classification Sherloc (09022015). Collection method: clinical testing. Allele origin: germline.
Comment: This sequence change falls in intron 5 of the TNNC1 gene. It does not directly change the encoded amino acid sequence of the TNNC1 protein. It affects a nucleotide within the consensus splice site. This variant is present in population databases (rs372975494, gnomAD 0.008%). This variant has not been reported in the literature in individuals affected with TNNC1-related conditions. ClinVar contains an entry for this variant (Variation ID: 3774020). Variants that disrupt the consensus splice site are a relatively common cause of aberrant splicing (PMID: 17576681, 9536098). Algorithms developed to predict the effect of sequence changes on RNA splicing suggest that this variant is not likely to affect RNA splicing. In summary, the available evidence is currently insufficient to determine the role of this variant in disease. Therefore, it has been classified as a Variant of Uncertain Significance.

GeneDx
Classification: Uncertain significance. Last evaluated: 2024-09-24. Review status: criteria provided, single submitter. Criteria: GeneDx Variant Classification Process June 2021. Collection method: clinical testing. Allele origin: germline. Affected: yes.
Comment: Has not been previously published as pathogenic or benign to our knowledge; Not observed at significant frequency in large population cohorts (gnomAD); In silico analysis supports that this variant does not alter splicing

Literature cited by the submitters: PubMed 17576681 (cited by Labcorp Genetics (formerly Invitae), Labcorp); PubMed 9536098 (cited by Labcorp Genetics (formerly Invitae), Labcorp).

NM_003280.3(TNNC1):c.454+5G>A

Gene: TNNC1 (troponin C1, slow skeletal and cardiac type; minus strand). Cytogenetic location: 3p21.1.
Variant type: single nucleotide variant.
Coding change: c.454+5G>A on transcript NM_003280.3 (MANE Select); 5 bases into the intron after coding-DNA position 454, G replaced by A.
Molecular consequence: intron variant.
Genome position (GRCh38, 1-based): chr3:52,451,386, C>T on the plus strand (G>A on the coding strand, the complement: TNNC1 is on the minus strand). VCF-style: chr3-52451386-C-T. GRCh37 (hg19) VCF-style: chr3-52485402-C-T.
Identifiers: ClinVar variation 3774020 (VCV003774020.2).